The following is an entry in ClinVar:

NM_000135.4(FANCA):c.2628C>A (p.Phe876Leu)

Genes: FANCA (FA complementation group A; minus strand), LOC130059837 (ATAC-STARR-seq lymphoblastoid active region 11420; plus strand). Cytogenetic location: 16q24.3.
Variant type: single nucleotide variant.
Coding change: c.2628C>A on transcript NM_000135.4 (MANE Select); coding-DNA position 2628, C replaced by A.
Protein change: p.Phe876Leu; replaces phenylalanine 876 with leucine.
Molecular consequence: missense variant.
Genome position (GRCh38, 1-based): chr16:89,765,040, G>T on the plus strand (C>A on the coding strand, the complement: FANCA is on the minus strand). VCF-style: chr16-89765040-G-T. GRCh37 (hg19) VCF-style: chr16-89831448-G-T.
Other names: NM_000135.2(FANCA_i001):p.(Phe876Leu); c.2628C>A (LRG_495t1); c.2628C>A, p.Phe876Leu (NM_001286167.3); short protein forms F876L.
Identifiers: ClinVar variation 203997 (VCV000203997.3), dbSNP rs368987148, ClinGen allele CA10575739.

ClinVar aggregate classification (germline): Uncertain significance. Review status: criteria provided, single submitter (1 of 4 stars). 2 submissions from 2 submitters: Uncertain significance (1). 1 of the submissions does not count toward it. Last evaluated 2025-12-27.

Conditions:
Inborn genetic diseases. Identifiers: MedGen C0950123, MeSH D030342.
Fanconi anemia complementation group A (FANCA). Also called: FANCA-Related Fanconi Anemia; Fanconi anemia, group A. Identifiers: Orphanet 84, MedGen C3469521, MONDO:0009215, OMIM 227650.

Submissions (2):

Ambry Genetics
Classification: Uncertain significance for Inborn genetic diseases. Last evaluated: 2025-12-27. Review status: criteria provided, single submitter. Criteria: Ambry Variant Classification Scheme 2023. Collection method: clinical testing. Allele origin: germline.
Comment: The p.F876L variant (also known as c.2628C>A), located in coding exon 28 of the FANCA gene, results from a C to A substitution at nucleotide position 2628. The phenylalanine at codon 876 is replaced by leucine, an amino acid with highly similar properties. This amino acid position is conserved. In addition, this alteration is predicted to be tolerated by in silico analysis. Based on the available evidence, the clinical significance of this variant remains unclear.

Department of Hematology, University of Health Sciences
Classification: Likely benign for Fanconi anemia, complementation group A. Last evaluated: 2014-12-01. Review status: no assertion criteria provided. Collection method: research. Allele origin: unknown. Affected: yes. Observed: 5 variant alleles. Not counted in ClinVar's aggregate classification.